The following is an entry in ClinVar:

ClinVar aggregate classification (germline): Uncertain significance. Review status: criteria provided, multiple submitters, no conflicts (2 of 4 stars). 3 submissions from 3 submitters: Uncertain significance (2). 1 of the submissions does not count toward it. Last evaluated 2024-04-16.

Conditions:
Cystic fibrosis (CF). Also called: MUCOVISCIDOSIS. Identifiers: Orphanet 586, MedGen C0010674, MONDO:0009061, OMIM 219700. Disease mechanism: loss of function.

Submissions (3):

Women's Health and Genetics/Laboratory Corporation of America, LabCorp
Classification: Uncertain significance. Last evaluated: 2024-04-16. Review status: criteria provided, single submitter. Criteria: LabCorp Variant Classification Summary - May 2015. Collection method: clinical testing. Allele origin: germline.
Comment: Variant summary: CFTR c.2799A>T (p.Arg933Ser) results in a non-conservative amino acid change located in the ABC transporter type 1, transmembrane domain (IPR011527) of the encoded protein sequence. Four of five in-silico tools predict a damaging effect of the variant on protein function. The variant was absent in 251410 control chromosomes. The available data on variant occurrences in the general population are insufficient to allow any conclusion about variant significance. c.2799A>T has been reported in the literature in individuals affected with congenital absence of vas deferens (Dork_1997). These report(s) do not provide unequivocal conclusions about association of the variant with Cystic Fibrosis. To our knowledge, no experimental evidence demonstrating an impact on protein function has been reported. The following publication have been ascertained in the context of this evaluation (PMID: 9272157). ClinVar contains an entry for this variant (Variation ID: 53570). Based on the evidence outlined above, the variant was classified as uncertain significance.

Labcorp Genetics (formerly Invitae), Labcorp
Classification: Uncertain significance for Cystic fibrosis. Last evaluated: 2023-04-26. Review status: criteria provided, single submitter. Criteria: Invitae Variant Classification Sherloc (09022015). Collection method: clinical testing. Allele origin: germline.
Comment: In summary, the available evidence is currently insufficient to determine the role of this variant in disease. Therefore, it has been classified as a Variant of Uncertain Significance. This variant disrupts the p.Arg933 amino acid residue in CFTR. Other variant(s) that disrupt this residue have been observed in individuals with CFTR-related conditions (PMID: 24958810), which suggests that this may be a clinically significant amino acid residue. Advanced modeling of protein sequence and biophysical properties (such as structural, functional, and spatial information, amino acid conservation, physicochemical variation, residue mobility, and thermodynamic stability) has been performed at Invitae for this missense variant, however the output from this modeling did not meet the statistical confidence thresholds required to predict the impact of this variant on CFTR protein function. ClinVar contains an entry for this variant (Variation ID: 53570). This variant is also known as A‚ÜíT at 2931. This missense change has been observed in individual(s) with congenital bilateral absence of the vas deferens (PMID: 9272157). This variant is not present in population databases (gnomAD no frequency). This sequence change replaces arginine, which is basic and polar, with serine, which is neutral and polar, at codon 933 of the CFTR protein (p.Arg933Ser).

ClinVar Staff, National Center for Biotechnology Information (NCBI)
No classification provided. Condition: CFTR-related disorders. Review status: no classification provided. Collection method: literature only. Allele origin: germline. Affected: yes. Not counted in ClinVar's aggregate classification.

Literature cited by the submitters: PubMed 9272157 (cited by 3 submitters); PubMed 24958810 (cited by Labcorp Genetics (formerly Invitae), Labcorp).

NM_000492.4(CFTR):c.2799A>T (p.Arg933Ser)

Gene: CFTR (CF transmembrane conductance regulator; plus strand). Cytogenetic location: 7q31.2.
Variant type: single nucleotide variant.
Coding change: c.2799A>T on transcript NM_000492.4 (MANE Select); coding-DNA position 2799, A replaced by T.
Protein change: p.Arg933Ser; replaces arginine 933 with serine.
Molecular consequence: missense variant.
Genome position (GRCh38, 1-based): chr7:117,603,673, A>T. VCF-style: chr7-117603673-A-T. GRCh37 (hg19) VCF-style: chr7-117243727-A-T.
Other names: short protein forms R933S.
Identifiers: ClinVar variation 53570 (VCV000053570.9), dbSNP rs397508437, ClinGen allele CA326929.